The following is an entry in ClinVar:

NM_000535.7(PMS2):c.119A>C (p.Lys40Thr)

Gene: PMS2 (PMS1 homolog 2, mismatch repair system component; minus strand). Cytogenetic location: 7p22.1.
Variant type: single nucleotide variant.
Coding change: c.119A>C on transcript NM_000535.7 (MANE Select); coding-DNA position 119, A replaced by C.
Protein change: p.Lys40Thr; replaces lysine 40 with threonine.
Molecular consequence: missense variant. On other transcripts: 5 prime UTR variant (8), non-coding transcript variant (1), intron variant (3).
Genome position (GRCh38, 1-based): chr7:6,005,936, T>G on the plus strand (A>C on the coding strand, the complement: PMS2 is on the minus strand). VCF-style: chr7-6005936-T-G. GRCh37 (hg19) VCF-style: chr7-6045567-T-G.
Other names: c.-287A>C (NM_001018040.1, NM_001322003.2, NM_001322005.2 and 11 more transcripts); c.119A>C, p.Lys40Thr (NM_001322006.2, NM_001322014.2, NM_001406868.1 and 10 more transcripts); c.-97A>C (NM_001322007.2, NM_001406876.1, NM_001406883.1 and 4 more transcripts); c.-766A>C (NM_001322011.2, NM_001322012.2); c.-366A>C (NM_001322015.2, NM_001406875.1, NM_001406877.1 and 2 more transcripts); c.305A>C, p.Lys102Thr (NM_001406866.1); c.-313A>C (NM_001406880.1); c.-234A>C (NM_001406888.1, NM_001406889.1, NM_001406892.1 and 5 more transcripts); and 4 more; short protein forms K102T, K40T.
Identifiers: ClinVar variation 2125353 (VCV002125353.5), dbSNP rs2128844795, ClinGen allele CA366745028.

ClinVar aggregate classification (germline): Uncertain significance. Review status: criteria provided, multiple submitters, no conflicts (2 of 4 stars). 2 submissions from 2 submitters: Uncertain significance (2). Last evaluated 2026-07-02.

Conditions:
Hereditary nonpolyposis colorectal neoplasms. Identifiers: MedGen C0009405, MeSH D003123.
Hereditary cancer-predisposing syndrome. Also called: Tumor predisposition; Hereditary Cancer Syndrome; Hereditary neoplastic syndrome; Neoplastic Syndromes, Hereditary. Identifiers: Orphanet 140162, MedGen C0027672, MeSH D009386, MONDO:0015356.

Submissions (2):

Ambry Genetics
Classification: Uncertain significance for Hereditary cancer-predisposing syndrome. Last evaluated: 2026-07-02. Review status: criteria provided, single submitter. Criteria: Ambry Variant Classification Scheme 2023. Collection method: clinical testing. Allele origin: germline.
Comment: The p.K40T variant (also known as c.119A>C), located in coding exon 2 of the PMS2 gene, results from an A to C substitution at nucleotide position 119. The lysine at codon 40 is replaced by threonine, an amino acid with similar properties. This amino acid position is conserved. In addition, this alteration is predicted to be deleterious by in silico analysis. Based on the available evidence, the clinical significance of this variant remains unclear.

Labcorp Genetics (formerly Invitae), Labcorp
Classification: Uncertain significance for Hereditary nonpolyposis colorectal neoplasms. Last evaluated: 2022-04-22. Review status: criteria provided, single submitter. Criteria: Invitae Variant Classification Sherloc (09022015). Collection method: clinical testing. Allele origin: germline.
Comment: In summary, the available evidence is currently insufficient to determine the role of this variant in disease. Therefore, it has been classified as a Variant of Uncertain Significance. Advanced modeling of protein sequence and biophysical properties (such as structural, functional, and spatial information, amino acid conservation, physicochemical variation, residue mobility, and thermodynamic stability) performed at Invitae indicates that this missense variant is expected to disrupt PMS2 protein function. This variant has not been reported in the literature in individuals affected with PMS2-related conditions. This variant is not present in population databases (gnomAD no frequency). This sequence change replaces lysine, which is basic and polar, with threonine, which is neutral and polar, at codon 40 of the PMS2 protein (p.Lys40Thr).